The following is an entry in ClinVar:

ClinVar aggregate classification (germline): Uncertain significance. Review status: criteria provided, multiple submitters, no conflicts (2 of 4 stars). 2 submissions from 2 submitters: Uncertain significance (2). Last evaluated 2024-03-28.

Conditions:
Inborn genetic diseases. Identifiers: MedGen C0950123, MeSH D030342.

Submissions (2):

Labcorp Genetics (formerly Invitae), Labcorp
Classification: Uncertain significance. Last evaluated: 2024-03-28. Review status: criteria provided, single submitter. Criteria: Invitae Variant Classification Sherloc (09022015). Collection method: clinical testing. Allele origin: germline.
Comment: This sequence change replaces arginine, which is basic and polar, with lysine, which is basic and polar, at codon 2146 of the COL7A1 protein (p.Arg2146Lys). This variant is not present in population databases (gnomAD no frequency). This variant has not been reported in the literature in individuals affected with COL7A1-related conditions. Advanced modeling of protein sequence and biophysical properties (such as structural, functional, and spatial information, amino acid conservation, physicochemical variation, residue mobility, and thermodynamic stability) performed at Invitae indicates that this missense variant is not expected to disrupt COL7A1 protein function with a negative predictive value of 95%. In summary, the available evidence is currently insufficient to determine the role of this variant in disease. Therefore, it has been classified as a Variant of Uncertain Significance.

Ambry Genetics
Classification: Uncertain significance for Inborn genetic diseases. Last evaluated: 2024-02-12. Review status: criteria provided, single submitter. Criteria: Ambry Variant Classification Scheme 2023. Collection method: clinical testing. Allele origin: germline.

NM_000094.4(COL7A1):c.6437G>A (p.Arg2146Lys)

Gene: COL7A1 (collagen type VII alpha 1 chain; minus strand). Cytogenetic location: 3p21.31.
Variant type: single nucleotide variant.
Coding change: c.6437G>A on transcript NM_000094.4 (MANE Select); coding-DNA position 6437, G replaced by A.
Protein change: p.Arg2146Lys; replaces arginine 2146 with lysine.
Molecular consequence: missense variant.
Genome position (GRCh38, 1-based): chr3:48,574,507, C>T on the plus strand (G>A on the coding strand, the complement: COL7A1 is on the minus strand). VCF-style: chr3-48574507-C-T. GRCh37 (hg19) VCF-style: chr3-48611940-C-T.
Other names: short protein forms R2146K.
Identifiers: ClinVar variation 3147808 (VCV003147808.3), dbSNP rs2530947796, ClinGen allele CA352658466.
Genomic context (GRCh38, chr3:48,574,507, plus strand): 5'-CCACCTTCTTGCACATGTGTGGCTGTTGGGCAAGGACTTACCGGGTTGCCGTCCTGACCC[C>T]TCGGTCCAGGCTCTCCCCGGTCTCCTTTGATGCCTGGCACACCCTGAAGGCAGAGTGTCG-3'
Protein context (NP_000085.1, residues 2136-2156): IKGDRGEPGP[Arg2146Lys]GQDGNPGLPG